The following is an entry in ClinVar:

ClinVar aggregate classification (germline): Uncertain significance (1 of 4 stars; one submission).

gnomAD v4.1: 8 of 1,614,018 alleles (0.0005%); highest among the groups gnomAD compares: East Asian, 0.0067%; no homozygotes.

Submission:

Mayo Clinic Laboratories, Mayo Clinic
Classification: Uncertain significance. Last evaluated: 2025-07-01. Review status: criteria provided, single submitter. Criteria: ACMG Guidelines, 2015. Collection method: clinical testing. Allele origin: germline. Observed: 1 variant allele.
Comment: BP4

NM_014844.5(TECPR2):c.133G>A (p.Gly45Arg)

Gene: TECPR2 (tectonin beta-propeller repeat containing 2; plus strand). Cytogenetic location: 14q32.31.
Variant type: single nucleotide variant.
Coding change: c.133G>A on transcript NM_014844.5 (MANE Select); coding-DNA position 133, G replaced by A.
Protein change: p.Gly45Arg; replaces glycine 45 with arginine.
Molecular consequence: missense variant.
Genome position (GRCh38, 1-based): chr14:102,376,854, G>A. VCF-style: chr14-102376854-G-A. GRCh37 (hg19) VCF-style: chr14-102843191-G-A.
Other names: p.Gly45Arg; c.133G>A, p.Gly45Arg (NM_001172631.3); short protein forms G45R.
Identifiers: ClinVar variation 4541909 (VCV004541909.1).